The following is an entry in ClinVar:

NM_001039591.3(USP9X):c.2737G>C (p.Gly913Arg)

Gene: USP9X (ubiquitin specific peptidase 9 X-linked; plus strand). Cytogenetic location: Xp11.4.
Variant type: single nucleotide variant.
Coding change: c.2737G>C on transcript NM_001039591.3 (MANE Select); coding-DNA position 2737, G replaced by C.
Protein change: p.Gly913Arg; replaces glycine 913 with arginine.
Molecular consequence: missense variant.
Genome position (GRCh38, 1-based): chrX:41,170,095, G>C. VCF-style: chrX-41170095-G-C. GRCh37 (hg19) VCF-style: chrX-41029348-G-C.
Other names: c.2737G>C, p.Gly913Arg (NM_001039590.3); c.2752G>C, p.Gly918Arg (NM_001410748.1, NM_001410749.1); short protein forms G913R, G918R.
Identifiers: ClinVar variation 2577675 (VCV002577675.1), dbSNP rs2519225000, ClinGen allele CA412758238.

ClinVar aggregate classification (germline): Uncertain significance (1 of 4 stars; one submission).

Allele frequency attached by ClinVar (database versions not stated): gnomAD exomes below 0.00001.
gnomAD v4.1: 1 of 1,211,498 alleles (0.000083%); highest among the groups gnomAD compares: Non-Finnish European, 0.00011%; no homozygotes.

Submission:

GeneDx
Classification: Uncertain significance. Last evaluated: 2023-02-24. Review status: criteria provided, single submitter. Criteria: GeneDx Variant Classification Process June 2021. Collection method: clinical testing. Allele origin: germline. Affected: yes.
Comment: Not observed at significant frequency in large population cohorts (gnomAD); In silico analysis supports that this missense variant has a deleterious effect on protein structure/function; Has not been previously published as pathogenic or benign to our knowledge